The following is an entry in ClinVar:

NM_001042492.3(NF1):c.3260_3263dup (p.Glu1088delinsAspTer)

Gene: NF1 (neurofibromin 1; plus strand). Cytogenetic location: 17q11.2.
Variant type: Duplication.
Coding change: c.3260_3263dup on transcript NM_001042492.3 (MANE Select); coding-DNA positions 3260 to 3263, 4 bases duplicated (CTGA; older notation c.3260_3263dupCTGA).
Protein change: p.Glu1088delinsAspTer.
Molecular consequence: nonsense. On other transcripts: frameshift variant (1).
Genome position (GRCh38, 1-based): chr17:31,232,135-31,232,138, CTGA duplicated. VCF-style (leftmost placement, unchanged base first): chr17-31232134-C-CCTGA. GRCh37 (hg19) VCF-style: chr17-29559152-C-CCTGA.
Other names: c.3260_3263dup, p.Glu1088Aspfs (NM_000267.4).
Identifiers: ClinVar variation 2751816 (VCV002751816.3), dbSNP rs2508224386, ClinGen allele CA2697559785.

ClinVar aggregate classification (germline): Pathogenic (1 of 4 stars; one submission).

Conditions:
Neurofibromatosis, type 1 (NF1). Also called: Peripheral type neurofibromatosis; NEUROFIBROMATOSIS, TYPE I, SOMATIC; VON RECKLINGHAUSEN DISEASE; Neurofibromatosis, type I. Identifiers: Orphanet 636, MedGen C0027831, MONDO:0018975, OMIM 162200. Disease mechanism: loss of function.

Submission:

Labcorp Genetics (formerly Invitae), Labcorp
Classification: Pathogenic for Neurofibromatosis, type 1. Last evaluated: 2023-08-11. Review status: criteria provided, single submitter. Criteria: Invitae Variant Classification Sherloc (09022015). Collection method: clinical testing. Allele origin: germline.
Comment: This variant has not been reported in the literature in individuals affected with NF1-related conditions. For these reasons, this variant has been classified as Pathogenic. This variant is not present in population databases (gnomAD no frequency). This sequence change creates a premature translational stop signal (p.Glu1088Aspfs*2) in the NF1 gene. It is expected to result in an absent or disrupted protein product. Loss-of-function variants in NF1 are known to be pathogenic (PMID: 10712197, 23913538).

Literature cited by the submitters: PubMed 10712197; PubMed 23913538.